The following is an entry in ClinVar:

ClinVar aggregate classification (germline): Uncertain significance (1 of 4 stars; one submission).

Conditions:
Myopathy, proximal, and ophthalmoplegia (CMYO6). Also called: MYOPATHY WITH CONGENITAL JOINT CONTRACTURES, OPHTHALMOPLEGIA, AND RIMMED VACUOLES; CONGENITAL MYOPATHY 6 WITH OPHTHALMOPLEGIA; INCLUSION BODY MYOPATHY 3, AUTOSOMAL DOMINANT. Identifiers: Orphanet 363677, Orphanet 79091, MedGen C1854106, MONDO:0011577, OMIM 605637.

Submission:

Labcorp Genetics (formerly Invitae), Labcorp
Classification: Uncertain significance for Myopathy, proximal, and ophthalmoplegia. Last evaluated: 2024-09-18. Review status: criteria provided, single submitter. Criteria: Invitae Variant Classification Sherloc (09022015). Collection method: clinical testing. Allele origin: germline.
Comment: This sequence change replaces glycine, which is neutral and non-polar, with arginine, which is basic and polar, at codon 1626 of the MYH2 protein (p.Gly1626Arg). This variant is not present in population databases (gnomAD no frequency). This variant has not been reported in the literature in individuals affected with MYH2-related conditions. Invitae Evidence Modeling of protein sequence and biophysical properties (such as structural, functional, and spatial information, amino acid conservation, physicochemical variation, residue mobility, and thermodynamic stability) indicates that this missense variant is expected to disrupt MYH2 protein function with a positive predictive value of 80%. In summary, the available evidence is currently insufficient to determine the role of this variant in disease. Therefore, it has been classified as a Variant of Uncertain Significance.

NM_017534.6(MYH2):c.4876G>A (p.Gly1626Arg)

Genes: MYH2 (myosin heavy chain 2; minus strand), MYHAS (myosin heavy chain gene cluster antisense RNA; plus strand), LOC126862500 (BRD4-independent group 4 enhancer GRCh37_chr17:10427829-10429028; plus strand). Cytogenetic location: 17p13.1.
Variant type: single nucleotide variant.
Coding change: c.4876G>A on transcript NM_017534.6 (MANE Select); coding-DNA position 4876, G replaced by A.
Protein change: p.Gly1626Arg; replaces glycine 1626 with arginine.
Molecular consequence: missense variant.
Genome position (GRCh38, 1-based): chr17:10,524,852, C>T on the plus strand (G>A on the coding strand, the complement: MYH2 is on the minus strand). VCF-style: chr17-10524852-C-T. GRCh37 (hg19) VCF-style: chr17-10428169-C-T.
Other names: c.4876G>A, p.Gly1626Arg (NM_001100112.2); short protein forms G1626R.
Identifiers: ClinVar variation 3716000 (VCV003716000.2).